The following is an entry in ClinVar:

ClinVar aggregate classification (germline): Uncertain significance (1 of 4 stars; one submission).

Conditions:
Pierson syndrome. Also called: MICROCORIA-CONGENITAL NEPHROTIC SYNDROME. Identifiers: Orphanet 2670, MedGen C1836876, MONDO:0012184, OMIM 609049.
LAMB2-related infantile-onset nephrotic syndrome. Also called: Nephrotic Syndrome, type 5; NEPHROTIC SYNDROME, TYPE 5, WITHOUT OCULAR ABNORMALITIES; NEPHROTIC SYNDROME, TYPE 5, WITH OCULAR ABNORMALITIES. Identifiers: Orphanet 306507, MedGen C3280113, MONDO:0013621, OMIM 614199.

Allele frequency attached by ClinVar (database versions not stated): gnomAD exomes below 0.00001.
gnomAD v4.1: 3 of 1,613,654 alleles (0.00019%); highest among the groups gnomAD compares: Non-Finnish European, 0.000085%; no homozygotes.

Submission:

Labcorp Genetics (formerly Invitae), Labcorp
Classification: Uncertain significance for LAMB2-related infantile-onset nephrotic syndrome; Pierson syndrome. Last evaluated: 2022-08-22. Review status: criteria provided, single submitter. Criteria: Invitae Variant Classification Sherloc (09022015). Collection method: clinical testing. Allele origin: germline.
Comment: Variants that disrupt the consensus splice site are a relatively common cause of aberrant splicing (PMID: 17576681, 9536098). Algorithms developed to predict the effect of sequence changes on RNA splicing suggest that this variant is not likely to affect RNA splicing. In summary, the available evidence is currently insufficient to determine the role of this variant in disease. Therefore, it has been classified as a Variant of Uncertain Significance. ClinVar contains an entry for this variant (Variation ID: 1025046). This variant has not been reported in the literature in individuals affected with LAMB2-related conditions. This variant is not present in population databases (gnomAD no frequency). This sequence change falls in intron 21 of the LAMB2 gene. It does not directly change the encoded amino acid sequence of the LAMB2 protein. It affects a nucleotide within the consensus splice site.

Literature cited by the submitters: PubMed 17576681; PubMed 9536098.

NM_002292.4(LAMB2):c.3110-3C>T

Gene: LAMB2 (laminin subunit beta 2; minus strand). Cytogenetic location: 3p21.31.
Variant type: single nucleotide variant.
Coding change: c.3110-3C>T on transcript NM_002292.4 (MANE Select); 3 bases into the intron before coding-DNA position 3110, C replaced by T.
Molecular consequence: intron variant.
Genome position (GRCh38, 1-based): chr3:49,124,615, G>A on the plus strand (C>T on the coding strand, the complement: LAMB2 is on the minus strand). VCF-style: chr3-49124615-G-A. GRCh37 (hg19) VCF-style: chr3-49162048-G-A.
Identifiers: ClinVar variation 1025046 (VCV001025046.5), dbSNP rs2045390515, ClinGen allele CA1363338873.